The following is an entry in ClinVar:

ClinVar aggregate classification (germline): Uncertain significance. Review status: criteria provided, multiple submitters, no conflicts (2 of 4 stars). 3 submissions from 3 submitters: Uncertain significance (3). Last evaluated 2024-04-30.

Conditions:
Melanoma and neural system tumor syndrome. Also called: MELANOMA-ASTROCYTOMA SYNDROME. Identifiers: Orphanet 252206, MedGen C1835042, MONDO:0007967, OMIM 155755.
Familial melanoma. Also called: Hereditary melanoma; Hereditary cutaneous melanoma. Identifiers: Orphanet 618, MedGen C1512419, MONDO:0018961.
Hereditary cancer-predisposing syndrome. Also called: Tumor predisposition; Neoplastic Syndromes, Hereditary; Hereditary Cancer Syndrome; Hereditary neoplastic syndrome. Identifiers: Orphanet 140162, MedGen C0027672, MeSH D009386, MONDO:0015356.

Allele frequency attached by ClinVar (database versions not stated): gnomAD exomes below 0.00001.
gnomAD v4.1: 1 of 1,601,632 alleles (0.000062%); highest among the groups gnomAD compares: Admixed American, 0.0017%; no homozygotes.

Submissions (3):

Ambry Genetics
Classification: Uncertain significance for Hereditary cancer-predisposing syndrome. Last evaluated: 2024-04-30. Review status: criteria provided, single submitter. Criteria: Ambry Variant Classification Scheme 2023. Collection method: clinical testing. Allele origin: germline.
Comment: The p.R62I variant (also known as c.185G>T), located in coding exon 1 of the CDKN2A (p14ARF) gene, results from a G to T substitution at nucleotide position 185. The arginine at codon 62 is replaced by isoleucine, an amino acid with similar properties. This amino acid position is not well conserved in available vertebrate species. Based on the available evidence, the clinical significance of this variant remains unclear.

Baylor Genetics
Classification: Uncertain significance for Melanoma and neural system tumor syndrome. Last evaluated: 2024-03-15. Review status: criteria provided, single submitter. Criteria: ACMG Guidelines, 2015. Collection method: clinical testing. Allele origin: unknown.

Labcorp Genetics (formerly Invitae), Labcorp
Classification: Uncertain significance for Familial melanoma. Last evaluated: 2021-08-12. Review status: criteria provided, single submitter. Criteria: Invitae Variant Classification Sherloc (09022015). Collection method: clinical testing. Allele origin: germline.

NM_058195.4(CDKN2A):c.185G>T (p.Arg62Ile)

Gene: CDKN2A (cyclin dependent kinase inhibitor 2A; minus strand). Cytogenetic location: 9p21.3.
Variant type: single nucleotide variant.
Coding change: c.185G>T on transcript NM_058195.4 (MANE Plus Clinical); coding-DNA position 185, G replaced by T.
Protein change: p.Arg62Ile; replaces arginine 62 with isoleucine.
Molecular consequence: missense variant. On other transcripts: intron variant (1).
Genome position (GRCh38, 1-based): chr9:21,994,147, C>A on the plus strand (G>T on the coding strand, the complement: CDKN2A is on the minus strand). VCF-style: chr9-21994147-C-A. GRCh37 (hg19) VCF-style: chr9-21994146-C-A.
Other names: c.-4+674G>T (NM_001363763.2); short protein forms R62I.
Identifiers: ClinVar variation 1395515 (VCV001395515.8), dbSNP rs1369774700, ClinGen allele CA373086778.